The following is an entry in ClinVar:

NM_005070.4(SLC4A3):c.161C>T (p.Pro54Leu)

Gene: SLC4A3 (solute carrier family 4 member 3; plus strand). Cytogenetic location: 2q35.
Variant type: single nucleotide variant.
Coding change: c.161C>T on transcript NM_005070.4 (MANE Select); coding-DNA position 161, C replaced by T.
Protein change: p.Pro54Leu; replaces proline 54 with leucine.
Molecular consequence: missense variant. On other transcripts: non-coding transcript variant (1).
Genome position (GRCh38, 1-based): chr2:219,628,514, C>T. VCF-style: chr2-219628514-C-T. GRCh37 (hg19) VCF-style: chr2-220493236-C-T.
Other names: p.Pro54Leu; c.161C>T, p.Pro54Leu (NM_001326559.2, NM_201574.3); short protein forms P54L.
Identifiers: ClinVar variation 775826 (VCV000775826.7), dbSNP rs73072582, ClinGen allele CA2133487.

ClinVar aggregate classification (germline): Benign/Likely benign. Review status: criteria provided, multiple submitters, no conflicts (2 of 4 stars). 4 submissions from 4 submitters: Benign (3); Likely benign (1). Last evaluated 2025-04-09.

Allele frequency attached by ClinVar (database versions not stated): gnomAD 0.01064 and 0.01152; gnomAD exomes 0.00096 and 0.00275; ExAC 0.00334; 1000 Genomes Project 0.00819; 1000 Genomes Project 30x 0.00843; ESP Exome Variant Server 0.01200; TOPMed 0.01232.
gnomAD v4.1: 3,085 of 1,613,652 alleles (0.19%); highest among the groups gnomAD compares: African/African-American, 3.7%; 44 homozygotes.

Submissions (4):

Molecular Diagnostic Laboratory for Inherited Cardiovascular Disease, Montreal Heart Institute
Classification: Likely benign. Last evaluated: 2025-04-09. Review status: criteria provided, single submitter. Criteria: ACMG Guidelines, 2015. Collection method: clinical testing. Allele origin: germline. Affected: no.

Mayo Clinic Laboratories, Mayo Clinic
Classification: Benign. Last evaluated: 2024-07-02. Review status: criteria provided, single submitter. Criteria: ACMG Guidelines, 2015. Collection method: clinical testing. Allele origin: germline. Observed: 5 variant alleles.
Comment: BS1, BS2, BP4

Labcorp Genetics (formerly Invitae), Labcorp
Classification: Benign. Last evaluated: 2019-12-31. Review status: criteria provided, single submitter. Criteria: Invitae Variant Classification Sherloc (09022015). Collection method: clinical testing. Allele origin: germline.

Breakthrough Genomics
Classification: Benign. Review status: criteria provided, single submitter. Criteria: ACMG Guidelines, 2015. Collection method: not provided. Allele origin: germline. Inheritance: Autosomal dominant inheritance. Affected: yes.